The following is an entry in ClinVar:

NM_000032.5(ALAS2):c.-15-2186C>G

Genes: ALAS2 (5'-aminolevulinate synthase 2; minus strand), PAGE2B (PAGE family member 2B; plus strand), LOC108663984 (ALAS2 intron 1 and 3 erythroid regulatory elements; plus strand). Cytogenetic location: Xp11.21.
Variant type: single nucleotide variant.
Coding change: c.-15-2186C>G on transcript NM_000032.5 (MANE Select); 2186 bases into the intron before 15 bases upstream of the start codon, C replaced by G.
Molecular consequence: intron variant.
Genome position (GRCh38, 1-based): chrX:55,028,201, G>C on the plus strand (C>G on the coding strand, the complement: ALAS2 is on the minus strand). VCF-style: chrX-55028201-G-C. GRCh37 (hg19) VCF-style: chrX-55054634-G-C.
Other names: c.-15-2186C>G (NM_001037967.4); c.-50-344C>G (NM_001037968.4).
Identifiers: ClinVar variation 1303064 (VCV001303064.2), dbSNP rs2146729727, ClinGen allele CA2573055371.

ClinVar aggregate classification (germline): Uncertain significance (1 of 4 stars; one submission).

Submission:

GeneDx
Classification: Uncertain significance. Last evaluated: 2020-02-04. Review status: criteria provided, single submitter. Criteria: GeneDx Variant Classification Process June 2021. Collection method: clinical testing. Allele origin: germline. Affected: yes.
Comment: Observed in several affected males of a family with sideroblastic anemia in published literature; Real-time PCR quantification of mRNA transcript levels showed decreased mRNA expression in patient cells (Campagna et al., 2014); In silico analysis supports that this variant does not alter splicing; No data available from control populations to assess the frequency of this variant; This variant is associated with the following publications: (PMID: 24166784)